The following is an entry in ClinVar:

ClinVar aggregate classification (germline): Likely benign. Review status: criteria provided, multiple submitters, no conflicts (2 of 4 stars). 2 submissions from 2 submitters: Likely benign (2). Last evaluated 2026-08-01.

Allele frequency attached by ClinVar (database versions not stated): TOPMed 0.00013; ExAC 0.00015; gnomAD 0.00006 and 0.00007; gnomAD exomes 0.00008 and 0.00012.

Submissions (2):

CeGaT Center for Human Genetics Tuebingen
Classification: Likely benign. Last evaluated: 2026-08-01. Review status: criteria provided, single submitter. Criteria: CeGaT Center For Human Genetics Tuebingen Variant Classification Criteria Version 2. Collection method: clinical testing. Allele origin: germline. Affected: yes. Observed: 1 variant allele.
Comment: CEP135: BP4, BP7

Labcorp Genetics (formerly Invitae), Labcorp
Classification: Likely benign. Last evaluated: 2025-10-04. Review status: criteria provided, single submitter. Criteria: Invitae Variant Classification Sherloc (09022015). Collection method: clinical testing. Allele origin: germline.

NM_025009.5(CEP135):c.3033T>C (p.Asn1011=)

Gene: CEP135 (centrosomal protein 135; plus strand). Cytogenetic location: 4q12.
Variant type: single nucleotide variant.
Coding change: c.3033T>C on transcript NM_025009.5 (MANE Select); coding-DNA position 3033, T replaced by C.
Protein change: p.Asn1011=; no amino-acid change (asparagine 1011 retained).
Molecular consequence: synonymous variant.
Genome position (GRCh38, 1-based): chr4:56,019,373, T>C. VCF-style: chr4-56019373-T-C. GRCh37 (hg19) VCF-style: chr4-56885539-T-C.
Identifiers: ClinVar variation 752175 (VCV000752175.8), dbSNP rs778345434, ClinGen allele CA2928317.
Genomic context (GRCh38, chr4:56,019,373, plus strand): 5'-AAAATTGTACTGAAGTAATCTTACTTTGTTTTTCACGTAGGTTGTGGTGGAATTAGAAAA[T>C]GTAAAGTCAGAGTCAGACCTACTGAAAAAACAACTTTCAAATGAGAGACATACAGTTAAA-3'
Protein context (NP_079285.2, residues 1001-1021): EFERVVVELE[Asn1011=]VKSESDLLKK